The following is an entry in ClinVar:

NM_024919.6(FRMD1):c.36C>T (p.Pro12=)

Gene: FRMD1 (FERM domain containing 1; minus strand). Cytogenetic location: 6q27.
Variant type: single nucleotide variant.
Coding change: c.36C>T on transcript NM_024919.6 (MANE Select); coding-DNA position 36, C replaced by T.
Protein change: p.Pro12=; no amino-acid change (proline 12 retained).
Molecular consequence: synonymous variant.
Genome position (GRCh38, 1-based): chr6:168,079,059, G>A on the plus strand (C>T on the coding strand, the complement: FRMD1 is on the minus strand). VCF-style: chr6-168079059-G-A. GRCh37 (hg19) VCF-style: chr6-168479739-G-A.
Identifiers: ClinVar variation 2657138 (VCV002657138.24), dbSNP rs142478026, ClinGen allele CA4101624.

ClinVar aggregate classification (germline): Likely benign (1 of 4 stars; one submission).

Allele frequency attached by ClinVar (database versions not stated): 1000 Genomes Project 30x 0.00062; 1000 Genomes Project 0.00080; gnomAD 0.00110; ESP Exome Variant Server 0.00115; TOPMed 0.00134.
gnomAD v4.1: 2,336 of 1,609,788 alleles (0.15%); highest among the groups gnomAD compares: Middle Eastern, 0.26%; 6 homozygotes.

Submission:

CeGaT Center for Human Genetics Tuebingen
Classification: Likely benign. Last evaluated: 2023-04-01. Review status: criteria provided, single submitter. Criteria: CeGaT Center For Human Genetics Tuebingen Variant Classification Criteria Version 2. Collection method: clinical testing. Allele origin: germline. Affected: yes. Observed: 1 variant allele.
Comment: FRMD1: BP4, BP7, BS2